The following is an entry in ClinVar:

ClinVar aggregate classification (germline): Pathogenic (1 of 4 stars; one submission).

Submission:

GeneDx
Classification: Pathogenic. Last evaluated: 2025-06-27. Review status: criteria provided, single submitter. Criteria: GeneDx Variant Classification Process June 2021. Collection method: clinical testing. Allele origin: germline. Affected: yes.
Comment: Reported in patients with features of inclusion body myopathy in published literature; however, detailed clinical and/or segregation information was not provided in all cases (PMID: 32403337, 37002192, 35896379); Reported in an individual from a cohort of patients with definite or probable amyotrophic lateral sclerosis; however, detailed clinical information was not provided (PMID: 37952009); Published functional studies demonstrate a damaging effect: increased phosphorylation of regulatory proteins involved in cell cycle regulation leading to cell cycle arrest, insufficient DNA damage repair, and decreased cellular proliferation (PMID: 34130995); In silico analysis supports that this missense variant has a deleterious effect on protein structure/function; Not observed at significant frequency in large population cohorts (gnomAD); This variant is associated with the following publications: (PMID: 24196964, 27828775, 23333620, 37002192, 22900631, 32403337, 35896379, 37952009, 34130995)

NM_007126.5(VCP):c.784A>G (p.Thr262Ala)

Gene: VCP (valosin containing protein; minus strand). Cytogenetic location: 9p13.3.
Variant type: single nucleotide variant.
Coding change: c.784A>G on transcript NM_007126.5 (MANE Select); coding-DNA position 784, A replaced by G.
Protein change: p.Thr262Ala; replaces threonine 262 with alanine.
Molecular consequence: missense variant.
Genome position (GRCh38, 1-based): chr9:35,063,005, T>C on the plus strand (A>G on the coding strand, the complement: VCP is on the minus strand). VCF-style: chr9-35063005-T-C. GRCh37 (hg19) VCF-style: chr9-35063002-T-C.
Other names: c.649A>G, p.Thr217Ala (NM_001354927.2, NM_001354928.2); short protein forms T217A, T262A.
Identifiers: ClinVar variation 4539954 (VCV004539954.1).
Genomic context (GRCh38, chr9:35,063,005, plus strand): 5'-CTAGCTAGACATAAGATGAACCAAATATCTCACCATTGATCAAGAAGAAGAAGGCTCCAG[T>C]CTCATTTGCTACAGCTCGAGCAATCAGGGTCTTTCCTGTTCCAGGAGGTCCGTAAAGCAG-3'
Protein context (NP_009057.1, residues 252-272): TLIARAVANE[Thr262Ala]GAFFFLINGP